The following is an entry in ClinVar:

NM_005573.4(LMNB1):c.844A>G (p.Asn282Asp)

Gene: LMNB1 (lamin B1; plus strand). Cytogenetic location: 5q23.2.
Variant type: single nucleotide variant.
Coding change: c.844A>G on transcript NM_005573.4 (MANE Select); coding-DNA position 844, A replaced by G.
Protein change: p.Asn282Asp; replaces asparagine 282 with aspartic acid.
Molecular consequence: missense variant. On other transcripts: non-coding transcript variant (1).
Genome position (GRCh38, 1-based): chr5:126,811,803, A>G. VCF-style: chr5-126811803-A-G. GRCh37 (hg19) VCF-style: chr5-126147495-A-G.
Other names: c.214A>G, p.Asn72Asp (NM_001198557.2); short protein forms N282D, N72D.
Identifiers: ClinVar variation 1372803 (VCV001372803.6), dbSNP rs2126718608, ClinGen allele CA360723143.

ClinVar aggregate classification (germline): Uncertain significance (1 of 4 stars; one submission).

Submission:

Labcorp Genetics (formerly Invitae), Labcorp
Classification: Uncertain significance. Last evaluated: 2024-02-24. Review status: criteria provided, single submitter. Criteria: Invitae Variant Classification Sherloc (09022015). Collection method: clinical testing. Allele origin: germline.
Comment: This sequence change replaces asparagine, which is neutral and polar, with aspartic acid, which is acidic and polar, at codon 282 of the LMNB1 protein (p.Asn282Asp). This variant is not present in population databases (gnomAD no frequency). This variant has not been reported in the literature in individuals affected with LMNB1-related conditions. ClinVar contains an entry for this variant (Variation ID: 1372803). Advanced modeling of protein sequence and biophysical properties (such as structural, functional, and spatial information, amino acid conservation, physicochemical variation, residue mobility, and thermodynamic stability) performed at Invitae indicates that this missense variant is expected to disrupt LMNB1 protein function with a positive predictive value of 80%. In summary, the available evidence is currently insufficient to determine the role of this variant in disease. Therefore, it has been classified as a Variant of Uncertain Significance.